The following is an entry in ClinVar:

ClinVar aggregate classification (germline): Uncertain significance (1 of 4 stars; one submission).

Submission:

Labcorp Genetics (formerly Invitae), Labcorp
Classification: Uncertain significance. Last evaluated: 2024-07-30. Review status: criteria provided, single submitter. Criteria: Invitae Variant Classification Sherloc (09022015). Collection method: clinical testing. Allele origin: germline.
Comment: This sequence change replaces arginine, which is basic and polar, with glycine, which is neutral and non-polar, at codon 1766 of the SBF1 protein (p.Arg1766Gly). This variant is not present in population databases (gnomAD no frequency). This variant has not been reported in the literature in individuals affected with SBF1-related conditions. An algorithm developed to predict the effect of missense changes on protein structure and function (PolyPhen-2) suggests that this variant is likely to be tolerated. In summary, the available evidence is currently insufficient to determine the role of this variant in disease. Therefore, it has been classified as a Variant of Uncertain Significance.

NM_002972.4(SBF1):c.5296C>G (p.Arg1766Gly)

Gene: SBF1 (SET binding factor 1; minus strand). Cytogenetic location: 22q13.33.
Variant type: single nucleotide variant.
Coding change: c.5296C>G on transcript NM_002972.4 (MANE Select); coding-DNA position 5296, C replaced by G.
Protein change: p.Arg1766Gly; replaces arginine 1766 with glycine.
Molecular consequence: missense variant.
Genome position (GRCh38, 1-based): chr22:50,448,300, G>C on the plus strand (C>G on the coding strand, the complement: SBF1 is on the minus strand). VCF-style: chr22-50448300-G-C. GRCh37 (hg19) VCF-style: chr22-50886729-G-C.
Other names: c.5221C>G, p.Arg1741Gly (NM_001365819.1); c.5299C>G, p.Arg1767Gly (NM_001410794.1); c.5218C>G, p.Arg1740Gly (NM_001410795.1); short protein forms R1740G, R1741G, R1767G, R1766G.
Identifiers: ClinVar variation 3670010 (VCV003670010.2).
Genomic context (GRCh38, chr22:50,448,300, plus strand): 5'-CACTCTCTGCTGTCTGGAACTGGCTGTACAGGGTGCTGGTGCTGCGGCGGGCAGCCTGAC[G>C]GGAGCCGGATGTGGTTGAGCCACTACTCTGGTCGCTGTCCAGGCTGAGGCTCAGGGTGGA-3'
Protein context (NP_002963.2, residues 1756-1776): QSSGSTTSGS[Arg1766Gly]QAARRSTSTL